The following is an entry in ClinVar:

NM_015466.4(PTPN23):c.2707_2708delinsAA (p.Pro903Asn)

Gene: PTPN23 (protein tyrosine phosphatase non-receptor type 23; plus strand). Cytogenetic location: 3p21.31.
Variant type: Indel.
Coding change: c.2707_2708delinsAA on transcript NM_015466.4 (MANE Select); coding-DNA positions 2707 to 2708, CC replaced by AA.
Protein change: p.Pro903Asn; replaces proline 903 with asparagine.
Molecular consequence: missense variant.
Genome position (GRCh38, 1-based): chr3:47,410,505-47,410,506, CC replaced by AA. VCF-style: chr3-47410505-CC-AA. GRCh37 (hg19) VCF-style: chr3-47451995-CC-AA.
Other names: c.2329_2330delinsAA, p.Pro777Asn (NM_001304482.2); short protein forms P903N, P777N.
Identifiers: ClinVar variation 2135238 (VCV002135238.4), dbSNP rs2546250808, ClinGen allele CA2580069905.

ClinVar aggregate classification (germline): Uncertain significance (1 of 4 stars; one submission).

Submission:

Labcorp Genetics (formerly Invitae), Labcorp
Classification: Uncertain significance. Last evaluated: 2022-05-07. Review status: criteria provided, single submitter. Criteria: Invitae Variant Classification Sherloc (09022015). Collection method: clinical testing. Allele origin: germline.
Comment: In summary, the available evidence is currently insufficient to determine the role of this variant in disease. Therefore, it has been classified as a Variant of Uncertain Significance. Experimental studies and prediction algorithms are not available or were not evaluated, and the functional significance of this variant is currently unknown. This variant has not been reported in the literature in individuals affected with PTPN23-related conditions. Information on the frequency of this variant in the gnomAD database is not available, as this variant may be reported differently in the database. This sequence change replaces proline, which is neutral and non-polar, with asparagine, which is neutral and polar, at codon 903 of the PTPN23 protein (p.Pro903Asn).